The following is an entry in ClinVar:

NM_000124.4(ERCC6):c.1471G>A (p.Ala491Thr)

Gene: ERCC6 (ERCC excision repair 6, chromatin remodeling factor; minus strand). Cytogenetic location: 10q11.23.
Variant type: single nucleotide variant.
Coding change: c.1471G>A on transcript NM_000124.4 (MANE Select); coding-DNA position 1471, G replaced by A.
Protein change: p.Ala491Thr; replaces alanine 491 with threonine.
Molecular consequence: missense variant.
Genome position (GRCh38, 1-based): chr10:49,505,939, C>T on the plus strand (G>A on the coding strand, the complement: ERCC6 is on the minus strand). VCF-style: chr10-49505939-C-T. GRCh37 (hg19) VCF-style: chr10-50713985-C-T.
Other names: c.1471G>A, p.Ala491Thr (NM_001346440.2); short protein forms A491T.
Identifiers: ClinVar variation 1437273 (VCV001437273.6), dbSNP rs2132582150, ClinGen allele CA376730013.

ClinVar aggregate classification (germline): Uncertain significance (1 of 4 stars; one submission).

Allele frequency attached by ClinVar (database versions not stated): gnomAD exomes 0.00001.
gnomAD v4.1: 3 of 1,613,514 alleles (0.00019%); highest among the groups gnomAD compares: Non-Finnish European, 0.00025%; no homozygotes.

Submission:

Labcorp Genetics (formerly Invitae), Labcorp
Classification: Uncertain significance. Last evaluated: 2022-09-13. Review status: criteria provided, single submitter. Criteria: Invitae Variant Classification Sherloc (09022015). Collection method: clinical testing. Allele origin: germline.
Comment: This sequence change replaces alanine, which is neutral and non-polar, with threonine, which is neutral and polar, at codon 491 of the ERCC6 protein (p.Ala491Thr). In summary, the available evidence is currently insufficient to determine the role of this variant in disease. Therefore, it has been classified as a Variant of Uncertain Significance. Advanced modeling of protein sequence and biophysical properties (such as structural, functional, and spatial information, amino acid conservation, physicochemical variation, residue mobility, and thermodynamic stability) performed at Invitae indicates that this missense variant is not expected to disrupt ERCC6 protein function. ClinVar contains an entry for this variant (Variation ID: 1437273). This variant has not been reported in the literature in individuals affected with ERCC6-related conditions. This variant is not present in population databases (gnomAD no frequency).